The following is an entry in ClinVar:

ClinVar aggregate classification (germline): Uncertain significance. Review status: criteria provided, multiple submitters, no conflicts (2 of 4 stars). 2 submissions from 2 submitters: Uncertain significance (2). Last evaluated 2024-12-03.

Submissions (2):

Labcorp Genetics (formerly Invitae), Labcorp
Classification: Uncertain significance. Last evaluated: 2024-12-03. Review status: criteria provided, single submitter. Criteria: Invitae Variant Classification Sherloc (09022015). Collection method: clinical testing. Allele origin: germline.
Comment: This sequence change affects codon 1581 of the HUWE1 mRNA. It is a 'silent' change, meaning that it does not change the encoded amino acid sequence of the HUWE1 protein. It affects a nucleotide within the consensus splice site. This variant is not present in population databases (gnomAD no frequency). This variant has not been reported in the literature in individuals affected with HUWE1-related conditions. ClinVar contains an entry for this variant (Variation ID: 2871109). Algorithms developed to predict the effect of sequence changes on RNA splicing suggest that this variant is not likely to affect RNA splicing. In summary, the available evidence is currently insufficient to determine the role of this variant in disease. Therefore, it has been classified as a Variant of Uncertain Significance.

Women's Health and Genetics/Laboratory Corporation of America, LabCorp
Classification: Uncertain significance. Last evaluated: 2024-08-28. Review status: criteria provided, single submitter. Criteria: LabCorp Variant Classification Summary - May 2015. Collection method: clinical testing. Allele origin: germline.
Comment: Variant summary: HUWE1 c.4743G>A (p.Lys1581Lys) alters a non-conserved nucleotide located close to a canonical splice site and therefore could affect mRNA splicing, leading to a significantly altered protein sequence. Consensus agreement among computation tools predict no significant impact on normal splicing. However, these predictions have yet to be confirmed by functional studies. The variant was absent in 176859 control chromosomes. The available data on variant occurrences in the general population are insufficient to allow any conclusion about variant significance. To our knowledge, no occurrence of c.4743G>A in individuals affected with Intellectual Disability, X-Linked Syndromic, Turner Type and no experimental evidence demonstrating its impact on protein function have been reported. ClinVar contains an entry for this variant (Variation ID: 2871109). Based on the evidence outlined above, the variant was classified as uncertain significance.

NM_031407.7(HUWE1):c.4743G>A (p.Lys1581=)

Gene: HUWE1 (HECT, UBA and WWE domain containing E3 ubiquitin protein ligase 1; minus strand). Cytogenetic location: Xp11.22.
Variant type: single nucleotide variant.
Coding change: c.4743G>A on transcript NM_031407.7 (MANE Select); coding-DNA position 4743, G replaced by A.
Protein change: p.Lys1581=; no amino-acid change (lysine 1581 retained).
Molecular consequence: synonymous variant.
Genome position (GRCh38, 1-based): chrX:53,586,571, C>T on the plus strand (G>A on the coding strand, the complement: HUWE1 is on the minus strand). VCF-style: chrX-53586571-C-T. GRCh37 (hg19) VCF-style: chrX-53613531-C-T.
Identifiers: ClinVar variation 2871109 (VCV002871109.4), dbSNP rs2525711312, ClinGen allele CA516438518.